The following is an entry in ClinVar:

ClinVar aggregate classification (germline): Uncertain significance (1 of 4 stars; one submission).

Conditions:
Primary ciliary dyskinesia. Also called: Ciliary dyskinesia. Identifiers: Orphanet 244, MedGen C0008780, MONDO:0016575, HP:0012265.

Allele frequency attached by ClinVar (database versions not stated): gnomAD 0.00001; gnomAD exomes 0.00001; ExAC 0.00005.
gnomAD v4.1: 4 of 1,594,208 alleles (0.00025%); highest among the groups gnomAD compares: Non-Finnish European, 0.00034%; no homozygotes.

Submission:

Labcorp Genetics (formerly Invitae), Labcorp
Classification: Uncertain significance for Primary ciliary dyskinesia. Last evaluated: 2017-08-23. Review status: criteria provided, single submitter. Criteria: Invitae Variant Classification Sherloc (09022015). Collection method: clinical testing. Allele origin: germline.
Comment: This sequence change replaces threonine with alanine at codon 2486 of the DNAH11 protein (p.Thr2486Ala). The threonine residue is highly conserved and there is a small physicochemical difference between threonine and alanine. This variant is present in population databases (rs752787517, ExAC 0.01%). This variant has not been reported in the literature in individuals with DNAH11-related disease. Algorithms developed to predict the effect of missense changes on protein structure and function (SIFT, PolyPhen-2, Align-GVGD) all suggest that this variant is likely to be disruptive, but these predictions have not been confirmed by published functional studies and their clinical significance is uncertain. In summary, the available evidence is currently insufficient to determine the role of this variant in disease. Therefore, it has been classified as a Variant of Uncertain Significance.

NM_001277115.2(DNAH11):c.7456A>G (p.Thr2486Ala)

Gene: DNAH11 (dynein axonemal heavy chain 11; plus strand). Cytogenetic location: 7p15.3.
Variant type: single nucleotide variant.
Coding change: c.7456A>G on transcript NM_001277115.2 (MANE Select); coding-DNA position 7456, A replaced by G.
Protein change: p.Thr2486Ala; replaces threonine 2486 with alanine.
Molecular consequence: missense variant.
Genome position (GRCh38, 1-based): chr7:21,735,655, A>G. VCF-style: chr7-21735655-A-G. GRCh37 (hg19) VCF-style: chr7-21775273-A-G.
Other names: short protein forms T2486A.
Identifiers: ClinVar variation 525283 (VCV000525283.7), dbSNP rs752787517, ClinGen allele CA4181235.